The following is an entry in ClinVar:

ClinVar aggregate classification (germline): Uncertain significance (1 of 4 stars; one submission).

Conditions:
Inborn genetic diseases. Identifiers: MedGen C0950123, MeSH D030342.

gnomAD v4.1: 1 of 1,613,768 alleles (0.000062%); highest among the groups gnomAD compares: Non-Finnish European, 0.000085%; no homozygotes.

Submission:

Ambry Genetics
Classification: Uncertain significance for Inborn genetic diseases. Last evaluated: 2026-01-06. Review status: criteria provided, single submitter. Criteria: Ambry Variant Classification Scheme 2023. Collection method: clinical testing. Allele origin: germline.
Comment: The p.P552R variant (also known as c.1655C>G), located in coding exon 1 of the SAMD9 gene, results from a C to G substitution at nucleotide position 1655. The proline at codon 552 is replaced by arginine, an amino acid with dissimilar properties. This amino acid position is conserved. In addition, this alteration is predicted to be tolerated by in silico analysis. Based on the available evidence, the clinical significance of this variant remains unclear.

NM_017654.4(SAMD9):c.1655C>G (p.Pro552Arg)

Gene: SAMD9 (sterile alpha motif domain containing 9; minus strand). Cytogenetic location: 7q21.2.
Variant type: single nucleotide variant.
Coding change: c.1655C>G on transcript NM_017654.4 (MANE Select); coding-DNA position 1655, C replaced by G.
Protein change: p.Pro552Arg; replaces proline 552 with arginine.
Molecular consequence: missense variant.
Genome position (GRCh38, 1-based): chr7:93,104,443, G>C on the plus strand (C>G on the coding strand, the complement: SAMD9 is on the minus strand). VCF-style: chr7-93104443-G-C. GRCh37 (hg19) VCF-style: chr7-92733756-G-C.
Other names: c.1655C>G, p.Pro552Arg (NM_001193307.2); short protein forms P552R.
Identifiers: ClinVar variation 4843135 (VCV004843135.1).